The following is an entry in ClinVar:

ClinVar aggregate classification (germline): Uncertain significance (1 of 4 stars; one submission).

Conditions:
Cohen syndrome (COH1). Also called: PEPPER SYNDROME; Cutis verticis gyrata, retinitis pigmentosa, and sensorineural deafness. Identifiers: Orphanet 193, MedGen C0265223, MONDO:0008999, OMIM 216550.

Allele frequency attached by ClinVar (database versions not stated): gnomAD exomes below 0.00001.
gnomAD v4.1: 2 of 1,613,632 alleles (0.00012%); highest among the groups gnomAD compares: Non-Finnish European, 0.00017%; no homozygotes.

Submission:

Labcorp Genetics (formerly Invitae), Labcorp
Classification: Uncertain significance for Cohen syndrome. Last evaluated: 2026-01-26. Review status: criteria provided, single submitter. Criteria: Invitae Variant Classification Sherloc (09022015). Collection method: clinical testing. Allele origin: germline.
Comment: This sequence change replaces asparagine, which is neutral and polar, with lysine, which is basic and polar, at codon 1713 of the VPS13B protein (p.Asn1713Lys). This variant is present in population databases (no rsID available, gnomAD 0.0009%). This variant has not been reported in the literature in individuals affected with VPS13B-related conditions. ClinVar contains an entry for this variant (Variation ID: 2417364). Invitae Evidence Modeling of protein sequence and biophysical properties (such as structural, functional, and spatial information, amino acid conservation, physicochemical variation, residue mobility, and thermodynamic stability) indicates that this missense variant is expected to disrupt VPS13B protein function with a positive predictive value of 80%. In summary, the available evidence is currently insufficient to determine the role of this variant in disease. Therefore, it has been classified as a Variant of Uncertain Significance.

NM_152564.5(VPS13B):c.5064T>A (p.Asn1688Lys)

Gene: VPS13B (vacuolar protein sorting 13 homolog B; plus strand). Cytogenetic location: 8q22.2.
Variant type: single nucleotide variant.
Coding change: c.5064T>A on transcript NM_152564.5 (MANE Select); coding-DNA position 5064, T replaced by A.
Protein change: p.Asn1688Lys; replaces asparagine 1688 with lysine.
Molecular consequence: missense variant.
Genome position (GRCh38, 1-based): chr8:99,575,772, T>A. VCF-style: chr8-99575772-T-A. GRCh37 (hg19) VCF-style: chr8-100588000-T-A.
Other names: c.5139T>A, p.Asn1713Lys (NM_017890.5); short protein forms N1688K, N1713K.
Identifiers: ClinVar variation 2417364 (VCV002417364.4), dbSNP rs1330191619, ClinGen allele CA371874061.